The following is an entry in ClinVar:

NM_015046.7(SETX):c.1416A>T (p.Lys472Asn)

Gene: SETX (senataxin; minus strand). Cytogenetic location: 9q34.13.
Variant type: single nucleotide variant.
Coding change: c.1416A>T on transcript NM_015046.7 (MANE Select); coding-DNA position 1416, A replaced by T.
Protein change: p.Lys472Asn; replaces lysine 472 with asparagine.
Molecular consequence: missense variant.
Genome position (GRCh38, 1-based): chr9:132,330,182, T>A on the plus strand (A>T on the coding strand, the complement: SETX is on the minus strand). VCF-style: chr9-132330182-T-A. GRCh37 (hg19) VCF-style: chr9-135205569-T-A.
Other names: c.1416A>T, p.Lys472Asn (NM_001351527.2, NM_001351528.2); short protein forms K472N.
Identifiers: ClinVar variation 365371 (VCV000365371.8), dbSNP rs886063558, ClinGen allele CA10626638.

ClinVar aggregate classification (germline): Uncertain significance. Review status: criteria provided, multiple submitters, no conflicts (2 of 4 stars). 3 submissions from 2 submitters: Uncertain significance (3). Last evaluated 2025-02-04.

Conditions:
Amyotrophic lateral sclerosis type 4 (ALS4). Also called: AMYOTROPHIC LATERAL SCLEROSIS 4, JUVENILE; NEURONOPATHY, DISTAL HEREDITARY MOTOR, WITH PYRAMIDAL FEATURES. Identifiers: Orphanet 357043, MedGen C1865409, MONDO:0011223, OMIM 602433.
Spinocerebellar ataxia, autosomal recessive, with axonal neuropathy 2 (SCAN2). Also called: ATAXIA-OCULOMOTOR APRAXIA 2; Ataxia-ocular apraxia-2; Ataxia with Oculomotor Apraxia; Ataxia with Oculomotor Apraxia Type 2. Identifiers: Orphanet 64753, MedGen C1853761, MONDO:0018996, OMIM 606002.

Allele frequency attached by ClinVar (database versions not stated): gnomAD exomes 0.00001; TOPMed 0.00001; gnomAD 0.00003 and 0.00004.
gnomAD v4.1: 22 of 1,591,706 alleles (0.0014%); highest among the groups gnomAD compares: Non-Finnish European, 0.0018%; no homozygotes.

Submissions (3):

Labcorp Genetics (formerly Invitae), Labcorp
Classification: Uncertain significance for Amyotrophic lateral sclerosis type 4; Spinocerebellar ataxia, autosomal recessive, with axonal neuropathy 2. Last evaluated: 2025-02-04. Review status: criteria provided, single submitter. Criteria: Invitae Variant Classification Sherloc (09022015). Collection method: clinical testing. Allele origin: germline.
Comment: This sequence change replaces lysine, which is basic and polar, with asparagine, which is neutral and polar, at codon 472 of the SETX protein (p.Lys472Asn). This variant is not present in population databases (gnomAD no frequency). This variant has not been reported in the literature in individuals affected with SETX-related conditions. ClinVar contains an entry for this variant (Variation ID: 365371). Invitae Evidence Modeling of protein sequence and biophysical properties (such as structural, functional, and spatial information, amino acid conservation, physicochemical variation, residue mobility, and thermodynamic stability) indicates that this missense variant is not expected to disrupt SETX protein function with a negative predictive value of 95%. In summary, the available evidence is currently insufficient to determine the role of this variant in disease. Therefore, it has been classified as a Variant of Uncertain Significance.

Illumina Laboratory Services, Illumina
Classification: Uncertain significance for Spinocerebellar ataxia, autosomal recessive, with axonal neuropathy 2. Last evaluated: 2018-01-13. Review status: criteria provided, single submitter. Criteria: ICSL Variant Classification Criteria 13 December 2019. Collection method: clinical testing. Allele origin: germline.

Illumina Laboratory Services, Illumina
Classification: Uncertain significance for Amyotrophic lateral sclerosis type 4. Last evaluated: 2018-01-13. Review status: criteria provided, single submitter. Criteria: ICSL Variant Classification Criteria 13 December 2019. Collection method: clinical testing. Allele origin: germline.